The following is an entry in ClinVar:

ClinVar aggregate classification (germline): Uncertain significance (1 of 4 stars; one submission).

Conditions:
Hereditary cancer-predisposing syndrome. Also called: Neoplastic Syndromes, Hereditary; Tumor predisposition; Hereditary Cancer Syndrome; Hereditary neoplastic syndrome. Identifiers: Orphanet 140162, MedGen C0027672, MeSH D009386, MONDO:0015356.

Submission:

Ambry Genetics
Classification: Uncertain significance for Hereditary cancer-predisposing syndrome. Last evaluated: 2025-10-31. Review status: criteria provided, single submitter. Criteria: Ambry Variant Classification Scheme 2023. Collection method: clinical testing. Allele origin: germline.
Comment: The p.Y113H variant (also known as c.337T>C), located in coding exon 3 of the EGFR gene, results from a T to C substitution at nucleotide position 337. The tyrosine at codon 113 is replaced by histidine, an amino acid with similar properties. This amino acid position is well conserved in available vertebrate species. In addition, the in silico prediction for this alteration is inconclusive. Based on the available evidence, the clinical significance of this variant remains unclear.

NM_005228.5(EGFR):c.337T>C (p.Tyr113His)

Gene: EGFR (epidermal growth factor receptor; plus strand). Cytogenetic location: 7p11.2.
Variant type: single nucleotide variant.
Coding change: c.337T>C on transcript NM_005228.5 (MANE Select); coding-DNA position 337, T replaced by C.
Protein change: p.Tyr113His; replaces tyrosine 113 with histidine.
Molecular consequence: missense variant. On other transcripts: intron variant (1).
Genome position (GRCh38, 1-based): chr7:55,143,401, T>C. VCF-style: chr7-55143401-T-C. GRCh37 (hg19) VCF-style: chr7-55211094-T-C.
Other names: c.337T>C, p.Tyr113His (NM_001346897.2, NM_001346898.2, NM_001346899.2 and 3 more transcripts); c.178T>C, p.Tyr60His (NM_001346900.2); c.89-12429T>C (NM_001346941.2); short protein forms Y60H, Y113H.
Identifiers: ClinVar variation 4638977 (VCV004638977.1).